The following is an entry in ClinVar:

ClinVar aggregate classification (germline): Uncertain significance (1 of 4 stars; one submission).

Conditions:
Wilson disease (WND). Also called: Wilson's disease. Identifiers: Orphanet 905, MedGen C0019202, MONDO:0010200, OMIM 277900. Disease mechanism: loss of function.

Submission:

Labcorp Genetics (formerly Invitae), Labcorp
Classification: Uncertain significance for Wilson disease. Last evaluated: 2023-08-17. Review status: criteria provided, single submitter. Criteria: Invitae Variant Classification Sherloc (09022015). Collection method: clinical testing. Allele origin: germline.
Comment: In summary, the available evidence is currently insufficient to determine the role of this variant in disease. Therefore, it has been classified as a Variant of Uncertain Significance. Advanced modeling of protein sequence and biophysical properties (such as structural, functional, and spatial information, amino acid conservation, physicochemical variation, residue mobility, and thermodynamic stability) performed at Invitae indicates that this missense variant is expected to disrupt ATP7B protein function. This variant has not been reported in the literature in individuals affected with ATP7B-related conditions. This variant is not present in population databases (gnomAD no frequency). This sequence change replaces alanine, which is neutral and non-polar, with glycine, which is neutral and non-polar, at codon 1263 of the ATP7B protein (p.Ala1263Gly).

NM_000053.4(ATP7B):c.3788C>G (p.Ala1263Gly)

Gene: ATP7B (ATPase copper transporting beta; minus strand). Cytogenetic location: 13q14.3.
Variant type: single nucleotide variant.
Coding change: c.3788C>G on transcript NM_000053.4 (MANE Select); coding-DNA position 3788, C replaced by G.
Protein change: p.Ala1263Gly; replaces alanine 1263 with glycine.
Molecular consequence: missense variant. On other transcripts: intron variant (1).
Genome position (GRCh38, 1-based): chr13:51,937,591, G>C on the plus strand (C>G on the coding strand, the complement: ATP7B is on the minus strand). VCF-style: chr13-51937591-G-C. GRCh37 (hg19) VCF-style: chr13-52511727-G-C.
Other names: c.3341C>G, p.Ala1114Gly (NM_001406540.1); c.3302C>G, p.Ala1101Gly (NM_001406541.1, NM_001406542.1); c.3296C>G, p.Ala1099Gly (NM_001406543.1); c.3206C>G, p.Ala1069Gly (NM_001406544.1); c.3140C>G, p.Ala1047Gly (NM_001406545.1); c.3107C>G, p.Ala1036Gly (NM_001406546.1); c.2945C>G, p.Ala982Gly (NM_001406547.1); c.2498C>G, p.Ala833Gly (NM_001406548.1); and 21 more; short protein forms A1047G, A1099G, A1120G, A1137G, A1150G, A1183G, A982G, A1036G.
Identifiers: ClinVar variation 2753262 (VCV002753262.3), dbSNP rs2547568760, ClinGen allele CA388022070.
Genomic context (GRCh38, chr13:51,937,591, plus strand): 5'-GCCACACCCATGTCTGCCTGGGCCAAGGCCGGGGAGTCATTGACCCCATCCCCCACCATG[G>C]CGACTTTCTTCCCTTTATTCTGGAGCTCCTGGACCTTGGCCACCTTGTGCGAAGGCAGCA-3'
Protein context (NP_000044.2, residues 1253-1273): QELQNKGKKV[Ala1263Gly]MVGDGVNDSP